The following is an entry in ClinVar:

NM_017780.4(CHD7):c.542G>A (p.Gly181Asp)

Gene: CHD7 (chromodomain helicase DNA binding protein 7; plus strand). Cytogenetic location: 8q12.2.
Variant type: single nucleotide variant.
Coding change: c.542G>A on transcript NM_017780.4 (MANE Select); coding-DNA position 542, G replaced by A.
Protein change: p.Gly181Asp; replaces glycine 181 with aspartic acid.
Molecular consequence: missense variant.
Genome position (GRCh38, 1-based): chr8:60,741,974, G>A. VCF-style: chr8-60741974-G-A. GRCh37 (hg19) VCF-style: chr8-61654533-G-A.
Other names: c.542G>A (NM_017780.3); c.542G>A, p.Gly181Asp (NM_001316690.1); short protein forms G181D.
Identifiers: ClinVar variation 3659903 (VCV003659903.3).
Genomic context (GRCh38, chr8:60,741,974, plus strand): 5'-AGCAGCAGCAGCCACAGCCGCAGCCACCGCAGCCGGCTCCGTCGGGGCCCCCTGCACAGG[G>A]CCACCCTCAGCACATGCAGCAGATGGGCAGCTATATGGCACGTGGGGATTTTTCCATGCA-3'
Protein context (NP_060250.2, residues 171-191): QPAPSGPPAQ[Gly181Asp]HPQHMQQMGS

ClinVar aggregate classification (germline): Conflicting classifications of pathogenicity. Review status: criteria provided, conflicting classifications (1 of 4 stars). 2 submissions from 2 submitters: Uncertain significance (1); Benign (1). Last evaluated 2026-07-07.

Conditions:
CHD7-related disorder. Also called: CHD7-related condition.
CHARGE syndrome (CHARGE). Also called: Hittner Hirsch Kreh syndrome; CHARGE ASSOCIATION--COLOBOMA, HEART ANOMALY, CHOANAL ATRESIA, RETARDATION, GENITAL AND EAR ANOMALIES; Coloboma, heart anomaly, choanal atresia, retardation, genital and ear anomalies; CHARGE association; Hall-Hittner syndrome. Identifiers: Orphanet 138, MedGen C0265354, MONDO:0008965.

gnomAD v4.1: 3 of 1,613,526 alleles (0.00019%); no homozygotes.

Submissions (2):

PreventionGenetics, part of Exact Sciences
Classification: Uncertain significance for CHD7-related condition. Last evaluated: 2026-07-07. Review status: criteria provided, single submitter. Criteria: ACMG Guidelines, 2015. Collection method: clinical testing. Allele origin: germline.
Comment: The CHD7 c.542G>A variant is predicted to result in the amino acid substitution p.Gly181Asp. To our knowledge, this variant has not been reported in the literature. This variant is reported in 0.010% of alleles in individuals of Ashkenazi Jewish descent in gnomAD. At this time, the clinical significance of this variant is uncertain due to the absence of conclusive functional and genetic evidence.

Labcorp Genetics (formerly Invitae), Labcorp
Classification: Benign for CHARGE syndrome. Last evaluated: 2024-10-15. Review status: criteria provided, single submitter. Criteria: Invitae Variant Classification Sherloc (09022015). Collection method: clinical testing. Allele origin: germline.